The following is an entry in ClinVar:

ClinVar aggregate classification (germline): Uncertain significance (1 of 4 stars; one submission).

Allele frequency attached by ClinVar (database versions not stated): gnomAD exomes below 0.00001.
gnomAD v4.1: 7 of 1,613,990 alleles (0.00043%); highest among the groups gnomAD compares: South Asian, 0.0011%; no homozygotes.

Submission:

Labcorp Genetics (formerly Invitae), Labcorp
Classification: Uncertain significance. Last evaluated: 2024-02-23. Review status: criteria provided, single submitter. Criteria: Invitae Variant Classification Sherloc (09022015). Collection method: clinical testing. Allele origin: germline.
Comment: This sequence change replaces tyrosine, which is neutral and polar, with cysteine, which is neutral and slightly polar, at codon 921 of the LONP1 protein (p.Tyr921Cys). This variant is present in population databases (no rsID available, gnomAD 0.003%). This variant has not been reported in the literature in individuals affected with LONP1-related conditions. Advanced modeling of protein sequence and biophysical properties (such as structural, functional, and spatial information, amino acid conservation, physicochemical variation, residue mobility, and thermodynamic stability) performed at Invitae indicates that this missense variant is not expected to disrupt LONP1 protein function with a negative predictive value of 80%. In summary, the available evidence is currently insufficient to determine the role of this variant in disease. Therefore, it has been classified as a Variant of Uncertain Significance.

NM_004793.4(LONP1):c.2762A>G (p.Tyr921Cys)

Gene: LONP1 (lon peptidase 1, mitochondrial; minus strand). Cytogenetic location: 19p13.3.
Variant type: single nucleotide variant.
Coding change: c.2762A>G on transcript NM_004793.4 (MANE Select); coding-DNA position 2762, A replaced by G.
Protein change: p.Tyr921Cys; replaces tyrosine 921 with cysteine.
Molecular consequence: missense variant. On other transcripts: non-coding transcript variant (1).
Genome position (GRCh38, 1-based): chr19:5,692,150, T>C on the plus strand (A>G on the coding strand, the complement: LONP1 is on the minus strand). VCF-style: chr19-5692150-T-C. GRCh37 (hg19) VCF-style: chr19-5692161-T-C.
Other names: c.2570A>G, p.Tyr857Cys (NM_001276479.2); c.2174A>G, p.Tyr725Cys (NM_001276480.1); short protein forms Y725C, Y857C, Y921C.
Identifiers: ClinVar variation 3023803 (VCV003023803.3), dbSNP rs890587359, ClinGen allele CA304607266.